The following is an entry in ClinVar:

NM_025114.4(CEP290):c.660T>C (p.Asp220=)

Gene: CEP290 (centrosomal protein 290; minus strand). Cytogenetic location: 12q21.32.
Variant type: single nucleotide variant.
Coding change: c.660T>C on transcript NM_025114.4 (MANE Select); coding-DNA position 660, T replaced by C.
Protein change: p.Asp220=; no amino-acid change (aspartic acid 220 retained).
Molecular consequence: synonymous variant.
Genome position (GRCh38, 1-based): chr12:88,130,277, A>G on the plus strand (T>C on the coding strand, the complement: CEP290 is on the minus strand). VCF-style: chr12-88130277-A-G. GRCh37 (hg19) VCF-style: chr12-88524054-A-G.
Identifiers: ClinVar variation 695658 (VCV000695658.22), dbSNP rs777201814, ClinGen allele CA6712718.

ClinVar aggregate classification (germline): Likely benign. Review status: criteria provided, multiple submitters, no conflicts (2 of 4 stars). 2 submissions from 2 submitters: Likely benign (2). Last evaluated 2025-11-23.

Conditions:
Nephronophthisis. Also called: Juvenile Nephronophthisis. Identifiers: Orphanet 655, MedGen C0687120, MONDO:0019005, HP:0000090.
Meckel-Gruber syndrome. Also called: Dysencephalia splachnocystica; GRUBER SYNDROME; DYSENCEPHALIA SPLANCHNOCYSTICA. Identifiers: Orphanet 564, MedGen C0265215, MONDO:0018921.
Joubert syndrome. Also called: Familial aplasia of the vermis; JOUBERT-BOLTSHAUSER SYNDROME. Identifiers: Orphanet 475, MedGen C5979921, MONDO:0018772.

Allele frequency attached by ClinVar (database versions not stated): gnomAD exomes 0.00004 and 0.00005; TOPMed 0.00005; ExAC 0.00007; gnomAD 0.00007.
gnomAD v4.1: 61 of 1,599,330 alleles (0.0038%); highest among the groups gnomAD compares: Non-Finnish European, 0.0049%; no homozygotes.

Submissions (2):

Labcorp Genetics (formerly Invitae), Labcorp
Classification: Likely benign for Joubert syndrome; Meckel-Gruber syndrome; Nephronophthisis. Last evaluated: 2025-11-23. Review status: criteria provided, single submitter. Criteria: Invitae Variant Classification Sherloc (09022015). Collection method: clinical testing. Allele origin: germline.

CeGaT Center for Human Genetics Tuebingen
Classification: Likely benign. Last evaluated: 2025-06-01. Review status: criteria provided, single submitter. Criteria: CeGaT Center For Human Genetics Tuebingen Variant Classification Criteria Version 2. Collection method: clinical testing. Allele origin: germline. Affected: yes. Observed: 1 variant allele.
Comment: CEP290: BP4, BP7